The following is an entry in ClinVar:

ClinVar aggregate classification (germline): Uncertain significance. Review status: criteria provided, multiple submitters, no conflicts (2 of 4 stars). 2 submissions from 2 submitters: Uncertain significance (2). Last evaluated 2025-09-03.

Allele frequency attached by ClinVar (database versions not stated): 1000 Genomes Project 30x 0.00016; 1000 Genomes Project 0.00020; ESP Exome Variant Server 0.00031; ExAC 0.00012; gnomAD 0.00026.
gnomAD v4.1: 87 of 1,614,138 alleles (0.0054%); highest among the groups gnomAD compares: African/African-American, 0.093%; no homozygotes.

Submissions (2):

Labcorp Genetics (formerly Invitae), Labcorp
Classification: Uncertain significance. Last evaluated: 2025-09-03. Review status: criteria provided, single submitter. Criteria: Invitae Variant Classification Sherloc (09022015). Collection method: clinical testing. Allele origin: germline.
Comment: This sequence change replaces glycine, which is neutral and non-polar, with alanine, which is neutral and non-polar, at codon 1229 of the ARHGEF10 protein (p.Gly1229Ala). This variant is present in population databases (rs144877159, gnomAD 0.07%), and has an allele count higher than expected for a pathogenic variant. This variant has not been reported in the literature in individuals affected with ARHGEF10-related conditions. ClinVar contains an entry for this variant (Variation ID: 2891658). Invitae Evidence Modeling of protein sequence and biophysical properties (such as structural, functional, and spatial information, amino acid conservation, physicochemical variation, residue mobility, and thermodynamic stability) indicates that this missense variant is not expected to disrupt ARHGEF10 protein function with a negative predictive value of 80%. In summary, the available evidence is currently insufficient to determine the role of this variant in disease. Therefore, it has been classified as a Variant of Uncertain Significance.

Ambry Genetics
Classification: Uncertain significance. Last evaluated: 2025-06-06. Review status: criteria provided, single submitter. Criteria: Ambry Variant Classification Scheme 2023. Collection method: clinical testing. Allele origin: germline.

NM_014629.4(ARHGEF10):c.3686G>C (p.Gly1229Ala)

Gene: ARHGEF10 (Rho guanine nucleotide exchange factor 10; plus strand). Cytogenetic location: 8p23.3.
Variant type: single nucleotide variant.
Coding change: c.3686G>C on transcript NM_014629.4 (MANE Select); coding-DNA position 3686, G replaced by C.
Protein change: p.Gly1229Ala; replaces glycine 1229 with alanine.
Molecular consequence: missense variant.
Genome position (GRCh38, 1-based): chr8:1,956,914, G>C. VCF-style: chr8-1956914-G-C. GRCh37 (hg19) VCF-style: chr8-1905080-G-C.
Other names: c.3572G>C, p.Gly1191Ala (NM_001308152.2); c.3686G>C, p.Gly1229Ala (NM_001308153.3); short protein forms G1191A, G1253A, G1229A.
Identifiers: ClinVar variation 2891658 (VCV002891658.4), dbSNP rs144877159, ClinGen allele CA4601462.
Genomic context (GRCh38, chr8:1,956,914, plus strand): 5'-CTCCTGGCCCCGAGCCTCAGGACGAAGACCAGAAGGACGCACTTCCGAGTGGAGGAGCTG[G>C]TTCATCTCTGAGCCAGGGTGACCCTGACGCAGCCATCTGGTTGGGAGATTCGCTGGGATC-3'
Protein context (NP_055444.2, residues 1219-1239): QKDALPSGGA[Gly1229Ala]SSLSQGDPDA